The following is an entry in ClinVar:

NM_198859.4(PRICKLE2):c.2129G>T (p.Arg710Leu)

Genes: PRICKLE2 (prickle planar cell polarity protein 2; minus strand), PRICKLE2-AS1 (PRICKLE2 antisense RNA 1; plus strand). Cytogenetic location: 3p14.1.
Variant type: single nucleotide variant.
Coding change: c.2129G>T on transcript NM_198859.4 (MANE Select); coding-DNA position 2129, G replaced by T.
Protein change: p.Arg710Leu; replaces arginine 710 with leucine.
Molecular consequence: missense variant. On other transcripts: non-coding transcript variant (1).
Genome position (GRCh38, 1-based): chr3:64,099,457, C>A on the plus strand (G>T on the coding strand, the complement: PRICKLE2 is on the minus strand). VCF-style: chr3-64099457-C-A. GRCh37 (hg19) VCF-style: chr3-64085133-C-A.
Other names: c.2129G>T, p.Arg710Leu (NM_001370528.1); short protein forms R710L.
Identifiers: ClinVar variation 1009759 (VCV001009759.5), dbSNP rs772696632, ClinGen allele CA2479488.
Genomic context (GRCh38, chr3:64,099,457, plus strand): 5'-CGCTGGCGCATAAATTGGTCATAGTCCTCCCTGGCTCTCAGAGGGGGCCTATCTTTTAAC[C>A]GGGAGATGGCCTCGCGTTCGCTGGCCAGGTGGAGGGCGTTGTCGGAGCGAGAGCGTCGGG-3'
Protein context (NP_942559.1, residues 700-720): HLASEREAIS[Arg710Leu]LKDRPPLRAR

ClinVar aggregate classification (germline): Uncertain significance (1 of 4 stars; one submission).

Conditions:
Progressive myoclonic epilepsy type 5. Identifiers: Orphanet 402082, MedGen C5190799.

Allele frequency attached by ClinVar (database versions not stated): gnomAD exomes below 0.00001; ExAC 0.00001.
gnomAD v4.1: 7 of 1,583,798 alleles (0.00044%); highest among the groups gnomAD compares: South Asian, 0.008%; no homozygotes.

Submission:

Labcorp Genetics (formerly Invitae), Labcorp
Classification: Uncertain significance for Progressive myoclonic epilepsy type 5. Last evaluated: 2022-07-12. Review status: criteria provided, single submitter. Criteria: Invitae Variant Classification Sherloc (09022015). Collection method: clinical testing. Allele origin: germline.
Comment: This sequence change replaces arginine, which is basic and polar, with leucine, which is neutral and non-polar, at codon 710 of the PRICKLE2 protein (p.Arg710Leu). This variant is present in population databases (rs772696632, gnomAD 0.004%). This variant has not been reported in the literature in individuals affected with PRICKLE2-related conditions. ClinVar contains an entry for this variant (Variation ID: 1009759). Algorithms developed to predict the effect of missense changes on protein structure and function are either unavailable or do not agree on the potential impact of this missense change (SIFT: "Deleterious"; PolyPhen-2: "Benign"; Align-GVGD: "Class C25"). In summary, the available evidence is currently insufficient to determine the role of this variant in disease. Therefore, it has been classified as a Variant of Uncertain Significance.